The following is an entry in ClinVar:

ClinVar aggregate classification (germline): Likely benign. Review status: criteria provided, multiple submitters, no conflicts (2 of 4 stars). 13 submissions from 13 submitters: Likely benign (9). 4 of the submissions do not count toward it. Last evaluated 2026-06-01.

Conditions:
MYH7-related disorder. Also called: MYH7-related condition; MYH7-related disease; MYH7-related disorders.
Cardiovascular phenotype. Identifiers: MedGen CN230736.
Cardiomyopathy (CMYO). Also called: Cardiomyopathies. Identifiers: Orphanet 167848, MedGen C0878544, MONDO:0004994, HP:0001638. Inheritance: Various modes of inheritance.
Hypertrophic cardiomyopathy. Also called: HYPERTROPHIC MYOCARDIOPATHY. Identifiers: Orphanet 217569, MedGen C0007194, MeSH D002312, MONDO:0005045, HP:0001639.

Allele frequency attached by ClinVar (database versions not stated): TOPMed 0.00004; gnomAD 0.00005; ExAC 0.00006.
gnomAD v4.1: 37 of 1,612,844 alleles (0.0023%); highest among the groups gnomAD compares: Non-Finnish European, 0.0029%; no homozygotes.

Submissions (13):

CeGaT Center for Human Genetics Tuebingen
Classification: Likely benign. Last evaluated: 2026-06-01. Review status: criteria provided, single submitter. Criteria: CeGaT Center For Human Genetics Tuebingen Variant Classification Criteria Version 2. Collection method: clinical testing. Allele origin: germline. Affected: yes. Observed: 2 variant alleles.
Comment: MYH7: BP4, BP7

Labcorp Genetics (formerly Invitae), Labcorp
Classification: Likely benign for Hypertrophic cardiomyopathy. Last evaluated: 2025-12-08. Review status: criteria provided, single submitter. Criteria: Invitae Variant Classification Sherloc (09022015). Collection method: clinical testing. Allele origin: germline.

Blueprint Genetics
Classification: Likely benign. Last evaluated: 2024-09-02. Review status: criteria provided, single submitter. Criteria: ACMG Guidelines, 2015. Collection method: clinical testing. Allele origin: germline.

All of Us Research Program, National Institutes of Health
Classification: Likely benign for Cardiomyopathy. Last evaluated: 2024-02-05. Review status: criteria provided, single submitter. Criteria: ACMG Guidelines, 2015. Collection method: clinical testing. Allele origin: germline. Inheritance: Autosomal dominant inheritance. Observed: 25 variant alleles, 25 heterozygotes.
Comment: This study involves interpretation of variants in research participants for the purpose of population health screening. Participant phenotype was not available at the time of variant classification. Additional details can be found in publication PMID: 35346344, PMCID: PMC8962531

GeneDx
Classification: Likely benign. Last evaluated: 2020-11-24. Review status: criteria provided, single submitter. Criteria: GeneDx Variant Classification Process June 2021. Collection method: clinical testing. Allele origin: germline. Affected: yes.

Color Diagnostics, LLC DBA Color Health
Classification: Likely benign for Cardiomyopathy. Last evaluated: 2019-07-02. Review status: criteria provided, single submitter. Criteria: ACMG Guidelines, 2015. Collection method: clinical testing. Allele origin: germline.

Ambry Genetics
Classification: Likely benign for Cardiovascular phenotype. Last evaluated: 2017-02-01. Review status: criteria provided, single submitter. Criteria: Ambry Variant Classification Scheme 2023. Collection method: clinical testing. Allele origin: germline.

CHEO Genetics Diagnostic Laboratory, Children's Hospital of Eastern Ontario
Classification: Likely benign for Cardiomyopathy. Last evaluated: 2016-08-08. Review status: criteria provided, single submitter. Criteria: ACMG Guidelines, 2015. Collection method: clinical testing. Allele origin: germline. Study: Canadian Open Genetics Repository.

Laboratory for Molecular Medicine, Mass General Brigham Personalized Medicine
Classification: Likely benign. Last evaluated: 2009-07-20. Review status: criteria provided, single submitter. Criteria: LMM Criteria. Collection method: clinical testing. Allele origin: germline. Observed: 1 variant allele.

PreventionGenetics, part of Exact Sciences
Classification: Likely benign for MYH7-related condition. Last evaluated: 2020-04-08. Review status: no assertion criteria provided. Collection method: clinical testing. Allele origin: germline. Not counted in ClinVar's aggregate classification.
Comment: This variant is classified as likely benign based on ACMG/AMP sequence variant interpretation guidelines (Richards et al. 2015 PMID: 25741868, with internal and published modifications).

Clinical Genetics DNA and cytogenetics Diagnostics Lab, Erasmus MC, Erasmus Medical Center
Classification: Likely benign. Review status: no assertion criteria provided. Collection method: clinical testing. Allele origin: germline. Affected: yes. Study: VKGL Data-share Consensus. Not counted in ClinVar's aggregate classification.

Clinical Genetics, Academic Medical Center
Classification: Benign. Review status: no assertion criteria provided. Collection method: clinical testing. Allele origin: germline. Affected: yes. Study: VKGL Data-share Consensus. Not counted in ClinVar's aggregate classification.

Diagnostic Laboratory, Department of Genetics, University Medical Center Groningen
Classification: Likely benign. Review status: no assertion criteria provided. Collection method: clinical testing. Allele origin: germline. Affected: yes. Study: VKGL Data-share Consensus. Not counted in ClinVar's aggregate classification.

NM_000257.4(MYH7):c.3273C>T (p.Asn1091=)

Gene: MYH7 (myosin heavy chain 7; minus strand). Cytogenetic location: 14q11.2.
Variant type: single nucleotide variant.
Coding change: c.3273C>T on transcript NM_000257.4 (MANE Select); coding-DNA position 3273, C replaced by T.
Protein change: p.Asn1091=; no amino-acid change (asparagine 1091 retained).
Molecular consequence: synonymous variant.
Genome position (GRCh38, 1-based): chr14:23,421,021, G>A on the plus strand (C>T on the coding strand, the complement: MYH7 is on the minus strand). VCF-style: chr14-23421021-G-A. GRCh37 (hg19) VCF-style: chr14-23890230-G-A.
Identifiers: ClinVar variation 42951 (VCV000042951.67), dbSNP rs200664031, ClinGen allele CA013530.